The following is an entry in ClinVar:

ClinVar aggregate classification (germline): Pathogenic (1 of 4 stars; one submission).

Submission:

Labcorp Genetics (formerly Invitae), Labcorp
Classification: Pathogenic. Last evaluated: 2023-05-15. Review status: criteria provided, single submitter. Criteria: Invitae Variant Classification Sherloc (09022015). Collection method: clinical testing. Allele origin: germline.
Comment: This variant is not present in population databases (gnomAD no frequency). For these reasons, this variant has been classified as Pathogenic. ClinVar contains an entry for this variant (Variation ID: 841502). This variant has not been reported in the literature in individuals affected with CTNNA1-related conditions. This sequence change creates a premature translational stop signal (p.Asp77*) in the CTNNA1 gene. It is expected to result in an absent or disrupted protein product. Loss-of-function variants in CTNNA1 are known to be pathogenic (PMID: 32051609, 34425242).

Literature cited by the submitters: PubMed 32051609; PubMed 34425242.

NM_001903.5(CTNNA1):c.228_229del (p.Gly76_Asp77insTer)

Gene: CTNNA1 (catenin alpha 1; plus strand). Cytogenetic location: 5q31.2.
Variant type: Deletion.
Coding change: c.228_229del on transcript NM_001903.5 (MANE Select); coding-DNA positions 228 to 229, 2 bases deleted (GG; older notation c.228_229delGG).
Protein change: p.Gly76_Asp77insTer.
Molecular consequence: frameshift variant. On other transcripts: intron variant (2).
Genome position (GRCh38, 1-based): chr5:138,783,299-138,783,300, GG deleted; deleting any 2 consecutive bases within chr5:138,783,296-138,783,300 gives the same sequence; the c. name uses the placement nearest the transcript's 3' end. VCF-style (leftmost placement, unchanged base first): chr5-138783295-AGG-A. GRCh37 (hg19) VCF-style: chr5-138118984-AGG-A.
Other names: c.228_229del, p.Gly76_Asp77insTer (NM_001290307.3, NM_001323982.2, NM_001323983.1 and 3 more transcripts); c.-6+27_-6+28del (NM_001290310.3); c.-9+1270_-9+1271del (NM_001290309.3).
Identifiers: ClinVar variation 841502 (VCV000841502.7), dbSNP rs1755336735, ClinGen allele CA916082781.
Genomic context (GRCh38, chr5:138,783,295, plus strand): 5'-CTAAGAAGGCCCATGTTTTGGCTGCATCTGTTGAACAAGCAACTGAGAATTTCTTGGAGA[AGG>A]GGGATAAAATTGCGAAGGAGAGCCAGTTTCTCAAGGAGGAGCTTGTGGCTGCTGTAGAAG-3'